The following is an entry in ClinVar:

ClinVar aggregate classification (germline): Pathogenic/Likely pathogenic. Review status: criteria provided, multiple submitters, no conflicts (2 of 4 stars). 2 submissions from 2 submitters: Pathogenic (1); Likely pathogenic (1). Last evaluated 2023-06-27.

Conditions:
Vici syndrome (VICIS). Identifiers: Orphanet 1493, MedGen C1855772, MONDO:0009452, OMIM 242840.
EPG5-related disorders.

Allele frequency attached by ClinVar (database versions not stated): gnomAD exomes below 0.00001.
gnomAD v4.1: 1 of 1,614,064 alleles (0.000062%); highest among the groups gnomAD compares: Non-Finnish European, 0.000085%; no homozygotes.

Submissions (2):

Labcorp Genetics (formerly Invitae), Labcorp
Classification: Pathogenic for Vici syndrome. Last evaluated: 2023-06-27. Review status: criteria provided, single submitter. Criteria: Invitae Variant Classification Sherloc (09022015). Collection method: clinical testing. Allele origin: germline.
Comment: This variant has not been reported in the literature in individuals affected with EPG5-related conditions. For these reasons, this variant has been classified as Pathogenic. Algorithms developed to predict the effect of sequence changes on RNA splicing suggest that this variant may disrupt the consensus splice site. This variant is not present in population databases (gnomAD no frequency). This sequence change creates a premature translational stop signal (p.Gln1050*) in the EPG5 gene. It is expected to result in an absent or disrupted protein product. Loss-of-function variants in EPG5 are known to be pathogenic (PMID: 23222957, 23674064).

Blueprint Genetics
Classification: Likely pathogenic for EPG5-related disorders. Last evaluated: 2020-08-03. Review status: criteria provided, single submitter. Criteria: ACMG Guidelines, 2015. Collection method: clinical testing. Allele origin: germline. Affected: yes. Observed: 1 variant allele.

Literature cited by the submitters: PubMed 23222957 (cited by Labcorp Genetics (formerly Invitae), Labcorp); PubMed 23674064 (cited by Labcorp Genetics (formerly Invitae), Labcorp).

NM_020964.3(EPG5):c.3148C>T (p.Gln1050Ter)

Gene: EPG5 (ectopic P-granules 5 autophagy tethering factor; minus strand). Cytogenetic location: 18q21.1.
Variant type: single nucleotide variant.
Coding change: c.3148C>T on transcript NM_020964.3 (MANE Select); coding-DNA position 3148, C replaced by T.
Protein change: p.Gln1050Ter; replaces glutamine 1050 with a stop codon.
Molecular consequence: nonsense.
Genome position (GRCh38, 1-based): chr18:45,917,770, G>A on the plus strand (C>T on the coding strand, the complement: EPG5 is on the minus strand). VCF-style: chr18-45917770-G-A. GRCh37 (hg19) VCF-style: chr18-43497735-G-A.
Other names: c.3148C>T, p.Gln1050Ter (NM_001410858.1, NM_001410859.1); short protein forms Q1050*.
Identifiers: ClinVar variation 2729625 (VCV002729625.4), dbSNP rs2511835278, ClinGen allele CA402343680.